The following is an entry in ClinVar:

ClinVar aggregate classification (germline): Uncertain significance. Review status: criteria provided, multiple submitters, no conflicts (2 of 4 stars). 2 submissions from 2 submitters: Uncertain significance (2). Last evaluated 2022-03-16.

Conditions:
Familial cancer of breast. Also called: BREAST CANCER, FAMILIAL; Hereditary breast cancer; hereditary breast carcinoma. Identifiers: Orphanet 227535, MedGen C0346153, MONDO:0016419, OMIM 114480. Disease mechanism: loss of function.

Allele frequency attached by ClinVar (database versions not stated): gnomAD exomes below 0.00001.
gnomAD v4.1: 3 of 1,614,122 alleles (0.00019%); highest among the groups gnomAD compares: Non-Finnish European, 0.00025%; no homozygotes.

Submissions (2):

Department of Pathology and Laboratory Medicine, Sinai Health System
Classification: Uncertain significance for Familial cancer of breast. Last evaluated: 2022-03-16. Review status: criteria provided, single submitter. Criteria: ACMG Guidelines, 2015. Collection method: clinical testing. Allele origin: germline. Affected: yes.

Labcorp Genetics (formerly Invitae), Labcorp
Classification: Uncertain significance for Familial cancer of breast. Last evaluated: 2021-07-01. Review status: criteria provided, single submitter. Criteria: Invitae Variant Classification Sherloc (09022015). Collection method: clinical testing. Allele origin: germline.
Comment: In summary, the available evidence is currently insufficient to determine the role of this variant in disease. Therefore, it has been classified as a Variant of Uncertain Significance. This sequence change replaces aspartic acid with tyrosine at codon 346 of the BARD1 protein (p.Asp346Tyr). The aspartic acid residue is weakly conserved and there is a large physicochemical difference between aspartic acid and tyrosine. Algorithms developed to predict the effect of missense changes on protein structure and function are either unavailable or do not agree on the potential impact of this missense change (SIFT: "Deleterious"; PolyPhen-2: "Benign"; Align-GVGD: "Class C0"). This variant has not been reported in the literature in individuals with BARD1-related conditions. This variant is not present in population databases (ExAC no frequency).

NM_000465.4(BARD1):c.1036G>T (p.Asp346Tyr)

Gene: BARD1 (BRCA1 associated RING domain 1; minus strand). Cytogenetic location: 2q35.
Variant type: single nucleotide variant.
Coding change: c.1036G>T on transcript NM_000465.4 (MANE Select); coding-DNA position 1036, G replaced by T.
Protein change: p.Asp346Tyr; replaces aspartic acid 346 with tyrosine.
Molecular consequence: missense variant. On other transcripts: non-coding transcript variant (2), intron variant (3).
Genome position (GRCh38, 1-based): chr2:214,780,838, C>A on the plus strand (G>T on the coding strand, the complement: BARD1 is on the minus strand). VCF-style: chr2-214780838-C-A. GRCh37 (hg19) VCF-style: chr2-215645562-C-A.
Other names: c.979G>T, p.Asp327Tyr (NM_001282543.2); c.159-28283G>T (NM_001282548.2); c.215+16223G>T (NM_001282545.2); c.364+11459G>T (NM_001282549.2); short protein forms D346Y, D327Y.
Identifiers: ClinVar variation 937707 (VCV000937707.11), dbSNP rs1694968440, ClinGen allele CA350454236.